The following is an entry in ClinVar:

NM_004817.4(TJP2):c.1960T>C (p.Leu654=)

Gene: TJP2 (tight junction protein 2; plus strand). Cytogenetic location: 9q21.11.
Variant type: single nucleotide variant.
Coding change: c.1960T>C on transcript NM_004817.4 (MANE Select); coding-DNA position 1960, T replaced by C.
Protein change: p.Leu654=; no amino-acid change (leucine 654 retained).
Molecular consequence: synonymous variant.
Genome position (GRCh38, 1-based): chr9:69,236,207, T>C. VCF-style: chr9-69236207-T-C. GRCh37 (hg19) VCF-style: chr9-71851123-T-C.
Other names: c.1960T>C, p.Leu654= (LRG_1201t1, NM_001369872.1, NM_001369873.1 and 1 more transcripts); c.1891T>C, p.Leu631= (NM_001170414.2, NM_001369871.1); c.1972T>C, p.Leu658= (NM_001170415.1, NM_001369874.1, NM_001369875.1); c.2053T>C, p.Leu685= (NM_001170416.2); c.1885T>C, p.Leu629= (NM_001369870.1).
Identifiers: ClinVar variation 367224 (VCV000367224.8), dbSNP rs765975804, ClinGen allele CA5073526.

ClinVar aggregate classification (germline): Conflicting classifications of pathogenicity. Review status: criteria provided, conflicting classifications (1 of 4 stars). 3 submissions from 3 submitters: Uncertain significance (1); Likely benign (2). Last evaluated 2024-09-20.

Conditions:
Hypercholanemia, familial 1 (FHCA1). Identifiers: Orphanet 238475, MedGen C5542604, MONDO:0031446, OMIM 607748.
Cholestasis, progressive familial intrahepatic, 4. Identifiers: Orphanet 480483, Orphanet 79304, MedGen C2931067, MONDO:0014381, OMIM 615878.

Allele frequency attached by ClinVar (database versions not stated): ExAC 0.00001; gnomAD 0.00001; TOPMed 0.00001; gnomAD exomes 0.00002.
gnomAD v4.1: 25 of 1,613,666 alleles (0.0015%); highest among the groups gnomAD compares: Middle Eastern, 0.082%; no homozygotes.

Submissions (3):

3billion
Classification: Likely benign for Cholestasis, progressive familial intrahepatic, 4; Hypercholanemia, familial 1. Last evaluated: 2024-09-20. Review status: criteria provided, single submitter. Criteria: ACMG Guidelines, 2015. Collection method: clinical testing. Allele origin: germline. Affected: no.
Comment: The homozygous variant was found in patients diagnosed with another variant in a different gene, with no symptoms related to the gene containing the homozygous variant.

Labcorp Genetics (formerly Invitae), Labcorp
Classification: Likely benign. Last evaluated: 2024-05-23. Review status: criteria provided, single submitter. Criteria: Invitae Variant Classification Sherloc (09022015). Collection method: clinical testing. Allele origin: germline.

Eurofins Ntd Llc (ga)
Classification: Uncertain significance. Last evaluated: 2017-10-18. Review status: criteria provided, single submitter. Criteria: EGL Classification Definitions 2015. Collection method: clinical testing. Allele origin: germline. Observed: 1 variant allele, 1 heterozygote.